The following is an entry in ClinVar:

GRCh38/hg38 9q34.13(chr9:131702422-132271840)x3

Genes: MED27 (mediator complex subunit 27; minus strand), NTNG2 (netrin G2; plus strand), RAPGEF1 (Rap guanine nucleotide exchange factor 1; minus strand), SETX (senataxin; minus strand), LOC113839534 (Sharpr-MPRA regulatory region 10210; plus strand) and 22 more. Cytogenetic location: 9q34.13.
Variant type: copy number gain.
Change: copy number 3 (three copies instead of two) of chr9:131,702,422-132,271,840 (569.4 kb, GRCh38 coordinates, 1-based), cytogenetic band 9q34.13.
Identifiers: ClinVar variation 58500 (VCV000058500.1).

ClinVar aggregate classification (germline): Uncertain significance (1 of 4 stars; one submission).

Submission:

ISCA site 14
Classification: Uncertain significance. Last evaluated: 2011-08-12. Review status: criteria provided, single submitter. Criteria: Kaminsky et al. (Genet Med. 2011). Collection method: clinical testing. Allele origin: maternal. Affected: yes. Observed: 1 variant allele.
Comment: Copy number variation identified through the course of routine clinical cytogenomic testing in postnatal populations. Clinical assertions have been curated as described in Kaminsky et al. 2011.